The following is an entry in ClinVar:

ClinVar aggregate classification (germline): Uncertain significance. Review status: criteria provided, multiple submitters, no conflicts (2 of 4 stars). 2 submissions from 2 submitters: Uncertain significance (2). Last evaluated 2022-05-03.

Conditions:
Mitochondrial DNA depletion syndrome, encephalomyopathic form with methylmalonic aciduria (MTDPS5). Also called: Mitochondrial encephalomyopathy aminoacidopathy; MITOCHONDRIAL DNA DEPLETION SYNDROME, ENCEPHALOMYOPATHIC FORM, WITH OR WITHOUT METHYLMALONIC ACIDURIA, AUTOSOMAL RECESSIVE, SUCLA2-RELATED; Mitochondrial DNA depletion syndrome 5 (encephalomyopathic with or without methylmalonic aciduria); SUCLA2-Related Mitochondrial DNA Depletion Syndrome, Encephalomyopathic Form with Methylmalonic Aciduria. Identifiers: Orphanet 1933, MedGen C5980207, MONDO:0012791, OMIM 612073.

Submissions (2):

Labcorp Genetics (formerly Invitae), Labcorp
Classification: Uncertain significance for Mitochondrial DNA depletion syndrome, encephalomyopathic form with methylmalonic aciduria. Last evaluated: 2022-05-03. Review status: criteria provided, single submitter. Criteria: Invitae Variant Classification Sherloc (09022015). Collection method: clinical testing. Allele origin: germline.
Comment: This sequence change replaces lysine, which is basic and polar, with glutamic acid, which is acidic and polar, at codon 225 of the SUCLA2 protein (p.Lys225Glu). Information on the frequency of this variant in the gnomAD database is not available, as this variant may be reported differently in the database. This variant has not been reported in the literature in individuals affected with SUCLA2-related conditions. ClinVar contains an entry for this variant (Variation ID: 203961). Experimental studies and prediction algorithms are not available or were not evaluated, and the functional significance of this variant is currently unknown. In summary, the available evidence is currently insufficient to determine the role of this variant in disease. Therefore, it has been classified as a Variant of Uncertain Significance.

GeneDx
Classification: Uncertain significance. Last evaluated: 2014-03-19. Review status: criteria provided, single submitter. Criteria: GeneDx Variant Classification (06012015). Collection method: clinical testing. Allele origin: germline. Affected: yes.
Comment: c.672_673delinsAG in exon 6 of the SUCLA2 gene (NM_003850.2). A variant of unknown significance has been identified in the SUCLA2 gene. The c.672_673delGAinsAG variant has not been published as a mutation, nor has it been reported as a benign polymorphism to our knowledge. In-silico splice prediction models predict that c.672_673delinsAG either destroys or damages the natural splice acceptor site in exon 6, which would be expected to lead to abnormal gene splicing. However, the true effect of c.672_673delinsAG on splicing in vivo is not known. Therefore, based on the currently available information, it is unclear whether this variant is a pathogenic mutation or a rare benign variant. The variant is found in MITONUC-MITOP panel(s).

NC_000013.11:g.47968724_47968725delinsCT

Gene: SUCLA2 (succinate-CoA ligase ADP-forming subunit beta; minus strand). Cytogenetic location: 13q14.2.
Variant type: Indel.
Genome position: GRCh38 VCF-style: chr13-47968724-TC-CT. GRCh37 (hg19) VCF-style: chr13-48542859-TC-CT.
Identifiers: ClinVar variation 203961 (VCV000203961.3), dbSNP rs796052046, ClinGen allele CA313030.